The following is an entry in ClinVar:

NM_001194998.2(CEP152):c.2878T>C (p.Trp960Arg)

Gene: CEP152 (centrosomal protein 152; minus strand). Cytogenetic location: 15q21.1.
Variant type: single nucleotide variant.
Coding change: c.2878T>C on transcript NM_001194998.2 (MANE Select); coding-DNA position 2878, T replaced by C.
Protein change: p.Trp960Arg; replaces tryptophan 960 with arginine.
Molecular consequence: missense variant.
Genome position (GRCh38, 1-based): chr15:48,756,370, A>G on the plus strand (T>C on the coding strand, the complement: CEP152 is on the minus strand). VCF-style: chr15-48756370-A-G. GRCh37 (hg19) VCF-style: chr15-49048567-A-G.
Other names: c.2878T>C, p.Trp960Arg (NM_014985.4); short protein forms W960R.
Identifiers: ClinVar variation 95651 (VCV000095651.60), dbSNP rs201342438, ClinGen allele CA211044.

ClinVar aggregate classification (germline): Conflicting classifications of pathogenicity. Review status: criteria provided, conflicting classifications (1 of 4 stars). 12 submissions from 11 submitters: Uncertain significance (7); Likely benign (3). 2 of the submissions do not count toward it. Last evaluated 2026-07-01.

Conditions:
CEP152-related disorder. Also called: CEP152-related disorders; CEP152-related condition. Identifiers: MedGen CN239248.
Seckel syndrome 5 (SCKL5). Identifiers: Orphanet 808, MedGen C3151187, MONDO:0013443, OMIM 613823.
Microcephaly 9, primary, autosomal recessive. Identifiers: Orphanet 2512, MedGen C3553886, MONDO:0013923, OMIM 614852.

Allele frequency attached by ClinVar (database versions not stated): gnomAD exomes 0.00377 and 0.00253; 1000 Genomes Project 30x 0.00031; TOPMed 0.00271; 1000 Genomes Project 0.00040; ExAC 0.00250; gnomAD 0.00253 and 0.00263; ESP Exome Variant Server 0.00328.
gnomAD v4.1: 5,813 of 1,591,736 alleles (0.37%); highest among the groups gnomAD compares: Non-Finnish European, 0.43%; 14 homozygotes.

Submissions (12):

CeGaT Center for Human Genetics Tuebingen
Classification: Likely benign. Last evaluated: 2026-07-01. Review status: criteria provided, single submitter. Criteria: CeGaT Center For Human Genetics Tuebingen Variant Classification Criteria Version 2. Collection method: clinical testing. Allele origin: germline. Affected: yes. Observed: 18 variant alleles.
Comment: CEP152: BS2

Labcorp Genetics (formerly Invitae), Labcorp
Classification: Likely benign. Last evaluated: 2026-02-04. Review status: criteria provided, single submitter. Criteria: Invitae Variant Classification Sherloc (09022015). Collection method: clinical testing. Allele origin: germline.

Dasa
Classification: Uncertain significance. Last evaluated: 2026-01-12. Review status: criteria provided, single submitter. Criteria: DASA Assertion Criteria. Collection method: clinical testing. Allele origin: germline.
Comment: NM_001194998.2(CEP152):c.2878T>C (p.Trp960Arg) is a missense variant that results in the substitution of tryptophan with arginine. This classification is supported by population frequency inconsistent with a disease-causing role. The currently available literature and clinical evidence are not sufficient to establish a definitive association between this variant and the reported condition. Therefore, this variant is classified as a variant of uncertain significance.

GeneDx
Classification: Uncertain significance. Last evaluated: 2025-08-08. Review status: criteria provided, single submitter. Criteria: GeneDx Variant Classification Process June 2021. Collection method: clinical testing. Allele origin: germline. Affected: yes.
Comment: Variant previously reported in the heterozygous state in three unrelated individuals with atrioventricular septal defects; however, these individuals did not have features of CEP152-related disorders and did not have a second variant identified in CEP152 (PMID: 25996639); In silico analysis supports that this missense variant has a deleterious effect on protein structure/function; This variant is associated with the following publications: (PMID: 25996639, 31696992, 34402213)

Institute for Clinical Genetics, University Hospital TU Dresden, University Hospital TU Dresden
Classification: Uncertain significance. Last evaluated: 2021-11-03. Review status: criteria provided, single submitter. Criteria: ACMG Guidelines, 2015. Collection method: clinical testing. Allele origin: germline.

Illumina Laboratory Services, Illumina
Classification: Likely benign for Seckel syndrome 5. Last evaluated: 2018-01-12. Review status: criteria provided, single submitter. Criteria: ICSL Variant Classification Criteria 13 December 2019. Collection method: clinical testing. Allele origin: germline.
Comment: This variant was observed in the ICSL laboratory as part of a predisposition screen in an ostensibly healthy population. It had not been previously curated by ICSL or reported in the Human Gene Mutation Database (HGMD: prior to June 1st, 2018), and was therefore a candidate for classification through an automated scoring system. Utilizing variant allele frequency, disease prevalence and penetrance estimates, and inheritance mode, an automated score was calculated to assess if this variant is too frequent to cause the disease. Based on the score and internal cut-off values, a variant classified as likely benign is not then subjected to further curation. The score for this variant resulted in a classification of likely benign for this disease.

Illumina Laboratory Services, Illumina
Classification: Uncertain significance for Microcephaly 9, primary, autosomal recessive. Last evaluated: 2018-01-12. Review status: criteria provided, single submitter. Criteria: ICSL Variant Classification Criteria 13 December 2019. Collection method: clinical testing. Allele origin: germline.

Fulgent Genetics
Classification: Uncertain significance for Seckel syndrome 5; Microcephaly 9, primary, autosomal recessive. Last evaluated: 2017-05-23. Review status: criteria provided, single submitter. Criteria: ACMG Guidelines, 2015. Collection method: clinical testing. Allele origin: unknown.

Eurofins Ntd Llc (ga)
Classification: Uncertain significance. Last evaluated: 2015-03-13. Review status: criteria provided, single submitter. Criteria: EGL Classification Definitions 2015. Collection method: clinical testing. Allele origin: germline. Observed: 2 variant alleles, 2 heterozygotes.

Genetic Services Laboratory, University of Chicago
Classification: Uncertain significance for Microcephaly 9, primary, autosomal recessive. Last evaluated: 2013-02-15. Review status: criteria provided, single submitter. Criteria: ACMG Guidelines, 2007. Collection method: clinical testing. Allele origin: germline. Inheritance: Autosomal recessive inheritance.

PreventionGenetics, part of Exact Sciences
Classification: Likely benign for CEP152-related condition. Last evaluated: 2021-03-19. Review status: no assertion criteria provided. Collection method: clinical testing. Allele origin: germline. Not counted in ClinVar's aggregate classification.
Comment: This variant is classified as likely benign based on ACMG/AMP sequence variant interpretation guidelines (Richards et al. 2015 PMID: 25741868, with internal and published modifications).

Child Neurology Department, Hôpital Universitaire de Bruxelles
Classification: Likely pathogenic for Microcephaly 9, primary, autosomal recessive. Review status: flagged submission. Criteria: ACMG Guidelines, 2015. Collection method: clinical testing. Allele origin: paternal. Affected: yes. Not counted in ClinVar's aggregate classification.
ClinVar note: Reason: Outlier claim with insufficient supporting evidence